The following is an entry in ClinVar:

ClinVar aggregate classification (germline): Uncertain significance (1 of 4 stars; one submission).

Conditions:
Agammaglobulinemia 2, autosomal recessive (AGM2). Also called: AGAMMAGLOBULINEMIA, AUTOSOMAL RECESSIVE, DUE TO IGLL1 DEFECT. Identifiers: MedGen C3150750, MONDO:0013287, OMIM 613500.

Submission:

Labcorp Genetics (formerly Invitae), Labcorp
Classification: Uncertain significance for Agammaglobulinemia 2, autosomal recessive. Last evaluated: 2023-09-10. Review status: criteria provided, single submitter. Criteria: Invitae Variant Classification Sherloc (09022015). Collection method: clinical testing. Allele origin: germline.
Comment: This variant is not present in population databases (gnomAD no frequency). This sequence change falls in intron 1 of the IGLL1 gene. It does not directly change the encoded amino acid sequence of the IGLL1 protein. This variant has not been reported in the literature in individuals affected with IGLL1-related conditions. Algorithms developed to predict the effect of sequence changes on RNA splicing suggest that this variant may disrupt the consensus splice site. In summary, the available evidence is currently insufficient to determine the role of this variant in disease. Therefore, it has been classified as a Variant of Uncertain Significance.

NM_020070.4(IGLL1):c.207-4G>T

Gene: IGLL1 (immunoglobulin lambda like polypeptide 1; minus strand). Cytogenetic location: 22q11.23.
Variant type: single nucleotide variant.
Coding change: c.207-4G>T on transcript NM_020070.4 (MANE Select); 4 bases into the intron before coding-DNA position 207, G replaced by T.
Molecular consequence: intron variant. On other transcripts: splice acceptor variant (1).
Genome position (GRCh38, 1-based): chr22:23,575,086, C>A on the plus strand (G>T on the coding strand, the complement: IGLL1 is on the minus strand). VCF-style: chr22-23575086-C-A. GRCh37 (hg19) VCF-style: chr22-23917273-C-A.
Other names: c.207-1G>T (NM_001369906.1); c.207-1501G>T (NM_152855.3).
Identifiers: ClinVar variation 2826232 (VCV002826232.3), dbSNP rs2517401938, ClinGen allele CA410899268.